The following is an entry in ClinVar:

ClinVar aggregate classification (germline): Likely benign (1 of 4 stars; one submission).

Allele frequency attached by ClinVar (database versions not stated): 1000 Genomes Project 0.00140; 1000 Genomes Project 30x 0.00141; TOPMed 0.00164; ESP Exome Variant Server 0.00223; gnomAD exomes 0.00352; gnomAD 0.00380; ExAC 0.00434.
gnomAD v4.1: 5,681 of 1,613,984 alleles (0.35%); highest among the groups gnomAD compares: Non-Finnish European, 0.31%; 38 homozygotes.

Submissions (2):

CeGaT Center for Human Genetics Tuebingen
Classification: Likely benign. Last evaluated: 2022-10-01. Review status: criteria provided, single submitter. Criteria: CeGaT Center For Human Genetics Tuebingen Variant Classification Criteria Version 2. Collection method: clinical testing. Allele origin: germline. Affected: yes. Observed: 1 variant allele.
Comment: DNAH3: BS2

Dr. Peter K. Rogan Lab, Western University
No classification provided (evidence only). Condition: Colon adenocarcinoma. Review status: no classification provided. Collection method: in vitro. Allele origin: not applicable. Functional consequence: retained intron. Not counted in ClinVar's aggregate classification.

NM_001347886.2(DNAH3):c.10688+5G>A

Gene: DNAH3 (dynein axonemal heavy chain 3; minus strand). Cytogenetic location: 16p12.3.
Variant type: single nucleotide variant.
Coding change: c.10688+5G>A on transcript NM_001347886.2 (MANE Select); 5 bases into the intron after coding-DNA position 10688, G replaced by A.
Molecular consequence: intron variant.
Genome position (GRCh38, 1-based): chr16:20,959,174, C>T on the plus strand (G>A on the coding strand, the complement: DNAH3 is on the minus strand). VCF-style: chr16-20959174-C-T. GRCh37 (hg19) VCF-style: chr16-20970496-C-T.
Other names: NC_000016.9:g.20970496C>T; c.10826+5G>A (NM_017539.2).
Identifiers: ClinVar variation 2646288 (VCV002646288.25), dbSNP rs187774879, ClinGen allele CA7945963.